The following is an entry in ClinVar:

NM_006059.4(LAMC3):c.872G>A (p.Arg291Gln)

Gene: LAMC3 (laminin subunit gamma 3; plus strand). Cytogenetic location: 9q34.12.
Variant type: single nucleotide variant.
Coding change: c.872G>A on transcript NM_006059.4 (MANE Select); coding-DNA position 872, G replaced by A.
Protein change: p.Arg291Gln; replaces arginine 291 with glutamine.
Molecular consequence: missense variant.
Genome position (GRCh38, 1-based): chr9:131,036,228, G>A. VCF-style: chr9-131036228-G-A. GRCh37 (hg19) VCF-style: chr9-133911615-G-A.
Other names: short protein forms R291Q.
Identifiers: ClinVar variation 1465194 (VCV001465194.4), dbSNP rs544505810, ClinGen allele CA5286855.

ClinVar aggregate classification (germline): Uncertain significance (1 of 4 stars; one submission).

Allele frequency attached by ClinVar (database versions not stated): gnomAD 0.00001 and 0.00002; TOPMed 0.00006; ExAC 0.00007; 1000 Genomes Project 30x 0.00016; 1000 Genomes Project 0.00040.

Submission:

Labcorp Genetics (formerly Invitae), Labcorp
Classification: Uncertain significance. Last evaluated: 2023-11-27. Review status: criteria provided, single submitter. Criteria: Invitae Variant Classification Sherloc (09022015). Collection method: clinical testing. Allele origin: germline.
Comment: This sequence change replaces arginine, which is basic and polar, with glutamine, which is neutral and polar, at codon 291 of the LAMC3 protein (p.Arg291Gln). This variant is present in population databases (rs544505810, gnomAD 0.04%). This variant has not been reported in the literature in individuals affected with LAMC3-related conditions. ClinVar contains an entry for this variant (Variation ID: 1465194). Algorithms developed to predict the effect of missense changes on protein structure and function output the following: SIFT: "Not Available"; PolyPhen-2: "Benign"; Align-GVGD: "Not Available". The glutamine amino acid residue is found in multiple mammalian species, which suggests that this missense change does not adversely affect protein function. In summary, the available evidence is currently insufficient to determine the role of this variant in disease. Therefore, it has been classified as a Variant of Uncertain Significance.